The following is an entry in ClinVar:

NM_000426.4(LAMA2):c.2265G>A (p.Glu755=)

Gene: LAMA2 (laminin subunit alpha 2; plus strand). Cytogenetic location: 6q22.33.
Variant type: single nucleotide variant.
Coding change: c.2265G>A on transcript NM_000426.4 (MANE Select); coding-DNA position 2265, G replaced by A.
Protein change: p.Glu755=; no amino-acid change (glutamic acid 755 retained).
Molecular consequence: synonymous variant.
Genome position (GRCh38, 1-based): chr6:129,267,162, G>A. VCF-style: chr6-129267162-G-A. GRCh37 (hg19) VCF-style: chr6-129588307-G-A.
Other names: c.2265G>A, p.Glu755= (NM_001079823.2).
Identifiers: ClinVar variation 392459 (VCV000392459.10), dbSNP rs910253334, ClinGen allele CA16604978.
Genomic context (GRCh38, chr6:129,267,162, plus strand): 5'-TCAGTCTTGTTGGCCTAGGCACAGGCGAGTTAACGGCACTATTTTTGGTGGCATCTGTGA[G>A]CCATGTCAGTGCTTTGGTCATGCGGAGTCCTGTGATGACGTCACTGGAGAATGCCTGGTA-3'
Protein context (NP_000417.3, residues 745-765): VNGTIFGGIC[Glu755=]PCQCFGHAES

ClinVar aggregate classification (germline): Likely benign. Review status: criteria provided, multiple submitters, no conflicts (2 of 4 stars). 2 submissions from 2 submitters: Likely benign (2). Last evaluated 2023-04-15.

Conditions:
LAMA2-related muscular dystrophy (LAMA2-RD). Also called: Laminin alpha 2-related dystrophy. Identifiers: MedGen C5679788, MONDO:0100228.

Allele frequency attached by ClinVar (database versions not stated): gnomAD 0.00001; TOPMed 0.00002.
gnomAD v4.1: 11 of 1,613,344 alleles (0.00068%); highest among the groups gnomAD compares: African/African-American, 0.0053%; no homozygotes.

Submissions (2):

Labcorp Genetics (formerly Invitae), Labcorp
Classification: Likely benign for LAMA2-related muscular dystrophy. Last evaluated: 2023-04-15. Review status: criteria provided, single submitter. Criteria: Invitae Variant Classification Sherloc (09022015). Collection method: clinical testing. Allele origin: germline.

GeneDx
Classification: Likely benign. Last evaluated: 2017-01-05. Review status: criteria provided, single submitter. Criteria: GeneDx Variant Classification (06012015). Collection method: clinical testing. Allele origin: germline. Affected: yes.
Comment: This variant is considered likely benign or benign based on one or more of the following criteria: it is a conservative change, it occurs at a poorly conserved position in the protein, it is predicted to be benign by multiple in silico algorithms, and/or has population frequency not consistent with disease.